The following is an entry in ClinVar:

ClinVar aggregate classification (germline): Uncertain significance (1 of 4 stars; one submission).

Conditions:
RAB23-related disorder. Also called: RAB23-related condition.

gnomAD v4.1: 2 of 1,603,110 alleles (0.00012%); highest among the groups gnomAD compares: Non-Finnish European, 0.00017%; no homozygotes.

Submission:

PreventionGenetics, part of Exact Sciences
Classification: Uncertain significance for RAB23-related condition. Last evaluated: 2026-03-23. Review status: criteria provided, single submitter. Criteria: ACMG Guidelines, 2015. Collection method: clinical testing. Allele origin: germline.
Comment: The RAB23 c.217G>A variant is predicted to result in the amino acid substitution p.Ala73Thr. To our knowledge, this variant has not been reported in the literature. This variant is reported in 0.00088% of alleles in individuals of European (Non-Finnish) descent in gnomAD. At this time, the clinical significance of this variant is uncertain due to the absence of conclusive functional and genetic evidence.

NM_016277.5(RAB23):c.217G>A (p.Ala73Thr)

Gene: RAB23 (RAB23, member RAS oncogene family; minus strand). Cytogenetic location: 6p11.2.
Variant type: single nucleotide variant.
Coding change: c.217G>A on transcript NM_016277.5 (MANE Select); coding-DNA position 217, G replaced by A.
Protein change: p.Ala73Thr; replaces alanine 73 with threonine.
Molecular consequence: missense variant.
Genome position (GRCh38, 1-based): chr6:57,207,652, C>T on the plus strand (G>A on the coding strand, the complement: RAB23 is on the minus strand). VCF-style: chr6-57207652-C-T. GRCh37 (hg19) VCF-style: chr6-57072450-C-T.
Other names: c.217G>A, p.Ala73Thr (NM_001278666.2, NM_001278667.2, NM_001278668.2 and 1 more transcripts); short protein forms A73T.
Identifiers: ClinVar variation 4992640 (VCV004992640.1).